The following is an entry in ClinVar:

ClinVar aggregate classification (germline): Likely benign. Review status: criteria provided, multiple submitters, no conflicts (2 of 4 stars). 3 submissions from 3 submitters: Likely benign (3). Last evaluated 2022-04-20.

Conditions:
Hereditary cancer-predisposing syndrome. Also called: Neoplastic Syndromes, Hereditary; Hereditary neoplastic syndrome; Hereditary Cancer Syndrome; Tumor predisposition. Identifiers: Orphanet 140162, MedGen C0027672, MeSH D009386, MONDO:0015356.
POLD1-related polyposis and colorectal cancer syndrome (CRCS10). Also called: Colorectal cancer, susceptibility to, 10; Colorectal cancer 10; COLORECTAL CANCER, SUSCEPTIBILITY TO, ON CHROMOSOME 19q. Identifiers: Orphanet 220460, MedGen C2675481, MONDO:0012953, OMIM 612591.

Allele frequency attached by ClinVar (database versions not stated): gnomAD exomes below 0.00001; TOPMed below 0.00001; gnomAD 0.00001.
gnomAD v4.1: 2 of 1,612,264 alleles (0.00012%); highest among the groups gnomAD compares: African/African-American, 0.0027%; no homozygotes.

Submissions (3):

Labcorp Genetics (formerly Invitae), Labcorp
Classification: Likely benign for POLD1-related polyposis and colorectal cancer syndrome. Last evaluated: 2022-04-20. Review status: criteria provided, single submitter. Criteria: Invitae Variant Classification Sherloc (09022015). Collection method: clinical testing. Allele origin: germline.

Ambry Genetics
Classification: Likely benign for Hereditary cancer-predisposing syndrome. Last evaluated: 2019-02-18. Review status: criteria provided, single submitter. Criteria: Ambry Variant Classification Scheme 2023. Collection method: clinical testing. Allele origin: germline.

GeneDx
Classification: Likely benign. Last evaluated: 2016-06-28. Review status: criteria provided, single submitter. Criteria: GeneDx Variant Classification (06012015). Collection method: clinical testing. Allele origin: germline. Affected: yes.
Comment: This variant is considered likely benign or benign based on one or more of the following criteria: it is a conservative change, it occurs at a poorly conserved position in the protein, it is predicted to be benign by multiple in silico algorithms, and/or has population frequency not consistent with disease.

NM_002691.4(POLD1):c.2691G>A (p.Lys897=)

Gene: POLD1 (DNA polymerase delta 1, catalytic subunit; plus strand). Cytogenetic location: 19q13.33.
Variant type: single nucleotide variant.
Coding change: c.2691G>A on transcript NM_002691.4 (MANE Select); coding-DNA position 2691, G replaced by A.
Protein change: p.Lys897=; no amino-acid change (lysine 897 retained).
Molecular consequence: synonymous variant. On other transcripts: non-coding transcript variant (1).
Genome position (GRCh38, 1-based): chr19:50,415,564, G>A. VCF-style: chr19-50415564-G-A. GRCh37 (hg19) VCF-style: chr19-50918821-G-A.
Other names: c.2691G>A, p.Lys897= (NM_001256849.1); c.2769G>A, p.Lys923= (NM_001308632.1).
Identifiers: ClinVar variation 387353 (VCV000387353.12), dbSNP rs1057522764, ClinGen allele CA16608279.